The following is an entry in ClinVar:

NM_152424.4(AMER1):c.589C>A (p.Pro197Thr)

Gene: AMER1 (APC membrane recruitment protein 1; minus strand). Cytogenetic location: Xq11.2.
Variant type: single nucleotide variant.
Coding change: c.589C>A on transcript NM_152424.4 (MANE Select); coding-DNA position 589, C replaced by A.
Protein change: p.Pro197Thr; replaces proline 197 with threonine.
Molecular consequence: missense variant.
Genome position (GRCh38, 1-based): chrX:64,192,698, G>T on the plus strand (C>A on the coding strand, the complement: AMER1 is on the minus strand). VCF-style: chrX-64192698-G-T. GRCh37 (hg19) VCF-style: chrX-63412578-G-T.
Other names: short protein forms P197T.
Identifiers: ClinVar variation 1973387 (VCV001973387.5), dbSNP rs762477559, ClinGen allele CA10432454.

ClinVar aggregate classification (germline): Uncertain significance (1 of 4 stars; one submission).

Allele frequency attached by ClinVar (database versions not stated): ExAC 0.00001; gnomAD 0.00002; gnomAD exomes 0.00002; TOPMed 0.00003.
gnomAD v4.1: 25 of 1,177,517 alleles (0.0021%); highest among the groups gnomAD compares: Non-Finnish European, 0.0026%; no homozygotes.

Submission:

Labcorp Genetics (formerly Invitae), Labcorp
Classification: Uncertain significance. Last evaluated: 2022-07-19. Review status: criteria provided, single submitter. Criteria: Invitae Variant Classification Sherloc (09022015). Collection method: clinical testing. Allele origin: germline.
Comment: This sequence change replaces proline, which is neutral and non-polar, with threonine, which is neutral and polar, at codon 197 of the AMER1 protein (p.Pro197Thr). In summary, the available evidence is currently insufficient to determine the role of this variant in disease. Therefore, it has been classified as a Variant of Uncertain Significance. Algorithms developed to predict the effect of missense changes on protein structure and function (SIFT, PolyPhen-2, Align-GVGD) all suggest that this variant is likely to be tolerated. This variant has not been reported in the literature in individuals affected with AMER1-related conditions. The frequency data for this variant in the population databases is considered unreliable, as metrics indicate poor data quality at this position in the gnomAD database.